The following is an entry in ClinVar:

ClinVar aggregate classification (germline): Benign/Likely benign. Review status: criteria provided, multiple submitters, no conflicts (2 of 4 stars). 10 submissions from 9 submitters: Benign (1); Likely benign (6). 3 of the submissions do not count toward it. Last evaluated 2025-12-07.

Conditions:
BRIP1-related disorder. Also called: BRIP1-related condition; BRIP1-related disorders. Identifiers: MedGen CN239206.
Hereditary cancer-predisposing syndrome. Also called: Tumor predisposition; Hereditary Cancer Syndrome; Neoplastic Syndromes, Hereditary; Hereditary neoplastic syndrome. Identifiers: Orphanet 140162, MedGen C0027672, MeSH D009386, MONDO:0015356.
Familial cancer of breast. Also called: Hereditary breast cancer; BREAST CANCER, FAMILIAL; hereditary breast carcinoma. Identifiers: Orphanet 227535, MedGen C0346153, MONDO:0016419, OMIM 114480. Disease mechanism: loss of function.
Fanconi anemia complementation group J. Also called: BRIP1-Related Fanconi Anemia. Identifiers: Orphanet 84, MedGen C1836860, MONDO:0012187, OMIM 609054.
Ovarian cancer. Also called: OVARIAN CANCER, SOMATIC. Identifiers: Orphanet 213500, MedGen C1140680, MONDO:0008170, OMIM 167000.

Allele frequency attached by ClinVar (database versions not stated): gnomAD exomes below 0.00001 and 0.00001; ExAC 0.00001; gnomAD 0.00003 and 0.00004; TOPMed 0.00003.
gnomAD v4.1: 21 of 1,613,964 alleles (0.0013%); highest among the groups gnomAD compares: East Asian, 0.0045%; 1 homozygote.

Submissions (10):

Labcorp Genetics (formerly Invitae), Labcorp
Classification: Likely benign for Familial cancer of breast; Fanconi anemia complementation group J. Last evaluated: 2025-12-07. Review status: criteria provided, single submitter. Criteria: Invitae Variant Classification Sherloc (09022015). Collection method: clinical testing. Allele origin: germline.

Women's Health and Genetics/Laboratory Corporation of America, LabCorp
Classification: Likely benign. Last evaluated: 2024-08-08. Review status: criteria provided, single submitter. Criteria: LabCorp Variant Classification Summary - May 2015. Collection method: clinical testing. Allele origin: germline.

Myriad Genetics, Inc.
Classification: Benign for Familial cancer of breast. Last evaluated: 2023-02-28. Review status: criteria provided, single submitter. Criteria: Myriad Autosomal Dominant, Autosomal Recessive and X-Linked Classification Criteria (2023). Collection method: clinical testing. Allele origin: unknown.
Comment: This variant is considered benign. This variant is a silent/synonymous amino acid change and it is not expected to impact splicing.

Department of Pathology and Laboratory Medicine, Sinai Health System
Classification: Likely benign for Familial cancer of breast. Last evaluated: 2020-06-03. Review status: criteria provided, single submitter. Criteria: ACMG Guidelines, 2015. Collection method: clinical testing. Allele origin: germline. Affected: yes.

GeneDx
Classification: Likely benign. Last evaluated: 2019-03-11. Review status: criteria provided, single submitter. Criteria: GeneDx Variant Classification Process June 2021. Collection method: clinical testing. Allele origin: germline. Affected: yes.

Color Diagnostics, LLC DBA Color Health
Classification: Likely benign for Hereditary cancer-predisposing syndrome. Last evaluated: 2016-07-27. Review status: criteria provided, single submitter. Criteria: ACMG Guidelines, 2015. Collection method: clinical testing. Allele origin: germline.

Ambry Genetics
Classification: Likely benign for Hereditary cancer-predisposing syndrome. Last evaluated: 2015-08-21. Review status: criteria provided, single submitter. Criteria: Ambry Variant Classification Scheme 2023. Collection method: clinical testing. Allele origin: germline.

PreventionGenetics, part of Exact Sciences
Classification: Likely benign for BRIP1-related condition. Last evaluated: 2019-06-06. Review status: no assertion criteria provided. Collection method: clinical testing. Allele origin: germline. Not counted in ClinVar's aggregate classification.
Comment: This variant is classified as likely benign based on ACMG/AMP sequence variant interpretation guidelines (Richards et al. 2015 PMID: 25741868, with internal and published modifications).

Counsyl
Classification: Likely benign for Fanconi anemia complementation group J. Last evaluated: 2016-08-15. Review status: no assertion criteria provided. Collection method: clinical testing. Allele origin: unknown. Not counted in ClinVar's aggregate classification.

Counsyl
Classification: Likely benign for Ovarian cancer. Last evaluated: 2016-08-15. Review status: no assertion criteria provided. Collection method: clinical testing. Allele origin: unknown. Not counted in ClinVar's aggregate classification.

NM_032043.3(BRIP1):c.3051G>A (p.Pro1017=)

Gene: BRIP1 (BRCA1 interacting DNA helicase 1; minus strand). Cytogenetic location: 17q23.2.
Variant type: single nucleotide variant.
Coding change: c.3051G>A on transcript NM_032043.3 (MANE Select); coding-DNA position 3051, G replaced by A.
Protein change: p.Pro1017=; no amino-acid change (proline 1017 retained).
Molecular consequence: synonymous variant.
Genome position (GRCh38, 1-based): chr17:61,683,995, C>T on the plus strand (G>A on the coding strand, the complement: BRIP1 is on the minus strand). VCF-style: chr17-61683995-C-T. GRCh37 (hg19) VCF-style: chr17-59761356-C-T.
Identifiers: ClinVar variation 215950 (VCV000215950.25), dbSNP rs776990704, ClinGen allele CA338469.